The following is an entry in ClinVar:

NM_021930.6(RINT1):c.1529A>G (p.Lys510Arg)

Gene: RINT1 (RAD50 interactor 1; plus strand). Cytogenetic location: 7q22.3.
Variant type: single nucleotide variant.
Coding change: c.1529A>G on transcript NM_021930.6 (MANE Select); coding-DNA position 1529, A replaced by G.
Protein change: p.Lys510Arg; replaces lysine 510 with arginine.
Molecular consequence: missense variant.
Genome position (GRCh38, 1-based): chr7:105,555,085, A>G. VCF-style: chr7-105555085-A-G. GRCh37 (hg19) VCF-style: chr7-105195532-A-G.
Other names: c.1295A>G, p.Lys432Arg (NM_001346599.2); c.506A>G, p.Lys169Arg (NM_001346600.2, NM_001346603.2); c.605A>G, p.Lys202Arg (NM_001346601.2); short protein forms K202R, K432R, K510R, K169R.
Identifiers: ClinVar variation 3789238 (VCV003789238.1).
Genomic context (GRCh38, chr7:105,555,085, plus strand): 5'-CAGACAGGTATAAAAATCTTCCCACAGCTTCCCGAAAGCTTCAGTTCCTGGAGTTACAGA[A>G]GGACTTAGTAGATGATTTTAGGATACGATTAACACAAGTGATGAAAGAAGAGACTAGAGC-3'
Protein context (NP_068749.3, residues 500-520): SRKLQFLELQ[Lys510Arg]DLVDDFRIRL

ClinVar aggregate classification (germline): Uncertain significance (1 of 4 stars; one submission).

Submission:

Ambry Genetics
Classification: Uncertain significance. Last evaluated: 2025-02-22. Review status: criteria provided, single submitter. Criteria: Ambry Variant Classification Scheme 2023. Collection method: clinical testing. Allele origin: germline.
Comment: The p.K510R variant (also known as c.1529A>G), located in coding exon 11 of the RINT1 gene, results from an A to G substitution at nucleotide position 1529. The lysine at codon 510 is replaced by arginine, an amino acid with highly similar properties. This amino acid position is conserved. In addition, this alteration is predicted to be tolerated by in silico analysis. Based on the available evidence, the clinical significance of this variant remains unclear.